The following is an entry in ClinVar:

NM_030665.4(RAI1):c.449C>G (p.Ala150Gly)

Gene: RAI1 (retinoic acid induced 1; plus strand). Cytogenetic location: 17p11.2.
Variant type: single nucleotide variant.
Coding change: c.449C>G on transcript NM_030665.4 (MANE Select); coding-DNA position 449, C replaced by G.
Protein change: p.Ala150Gly; replaces alanine 150 with glycine.
Molecular consequence: missense variant.
Genome position (GRCh38, 1-based): chr17:17,793,397, C>G. VCF-style: chr17-17793397-C-G. GRCh37 (hg19) VCF-style: chr17-17696711-C-G.
Other names: short protein forms A150G.
Identifiers: ClinVar variation 3712160 (VCV003712160.2).

ClinVar aggregate classification (germline): Uncertain significance (1 of 4 stars; one submission).

gnomAD v4.1: 11 of 1,613,676 alleles (0.00068%); highest among the groups gnomAD compares: Non-Finnish European, 0.00093%; no homozygotes.

Submission:

Labcorp Genetics (formerly Invitae), Labcorp
Classification: Uncertain significance. Last evaluated: 2024-05-21. Review status: criteria provided, single submitter. Criteria: Invitae Variant Classification Sherloc (09022015). Collection method: clinical testing. Allele origin: germline.
Comment: This sequence change replaces alanine, which is neutral and non-polar, with glycine, which is neutral and non-polar, at codon 150 of the RAI1 protein (p.Ala150Gly). This variant is not present in population databases (gnomAD no frequency). This variant has not been reported in the literature in individuals affected with RAI1-related conditions. Advanced modeling of protein sequence and biophysical properties (such as structural, functional, and spatial information, amino acid conservation, physicochemical variation, residue mobility, and thermodynamic stability) performed at Invitae indicates that this missense variant is not expected to disrupt RAI1 protein function with a negative predictive value of 80%. In summary, the available evidence is currently insufficient to determine the role of this variant in disease. Therefore, it has been classified as a Variant of Uncertain Significance.